The following is an entry in ClinVar:

ClinVar aggregate classification (germline): Benign/Likely benign. Review status: criteria provided, multiple submitters, no conflicts (2 of 4 stars). 11 submissions from 11 submitters: Benign (8); Likely benign (1). 2 of the submissions do not count toward it. Last evaluated 2026-01-27.

Conditions:
Cardiovascular phenotype. Identifiers: MedGen CN230736.
Long QT syndrome (LQTS). Identifiers: MedGen C0023976, MeSH D008133, MONDO:0002442. Disease mechanism: loss of function. Inheritance: Various modes of inheritance.
Long QT syndrome 11 (LQT11). Identifiers: Orphanet 101016, Orphanet 768, MedGen C2678483, MONDO:0012738, OMIM 611820.

Allele frequency attached by ClinVar (database versions not stated): gnomAD 0.00635 and 0.00701; ESP Exome Variant Server 0.00693; TOPMed 0.00706; gnomAD exomes 0.00765 and 0.00930; 1000 Genomes Project 30x 0.01015; 1000 Genomes Project 0.01098; ExAC 0.01548.
gnomAD v4.1: 12,037 of 1,570,710 alleles (0.77%); highest among the groups gnomAD compares: East Asian, 2.1%; 65 homozygotes.

Submissions (11):

Labcorp Genetics (formerly Invitae), Labcorp
Classification: Benign for Long QT syndrome. Last evaluated: 2026-01-27. Review status: criteria provided, single submitter. Criteria: Invitae Variant Classification Sherloc (09022015). Collection method: clinical testing. Allele origin: germline.

CeGaT Center for Human Genetics Tuebingen
Classification: Benign. Last evaluated: 2024-09-01. Review status: criteria provided, single submitter. Criteria: CeGaT Center For Human Genetics Tuebingen Variant Classification Criteria Version 2. Collection method: clinical testing. Allele origin: germline. Affected: yes. Observed: 4 variant alleles.
Comment: AKAP9: BP4, BS1, BS2

Genome-Nilou Lab
Classification: Benign for Long QT syndrome 11. Last evaluated: 2021-12-05. Review status: criteria provided, single submitter. Criteria: ACMG Guidelines, 2015. Collection method: clinical testing. Allele origin: germline. Affected: no.

Women's Health and Genetics/Laboratory Corporation of America, LabCorp
Classification: Benign. Last evaluated: 2020-09-08. Review status: criteria provided, single submitter. Criteria: LabCorp Variant Classification Summary - May 2015. Collection method: clinical testing. Allele origin: germline.
Comment: Variant summary: AKAP9 c.3827G>A (p.Arg1276Gln) results in a conservative amino acid change in the encoded protein sequence. Five of five in-silico tools predict a benign effect of the variant on protein function. The variant allele was found at a frequency of 0.0093 in 220076 control chromosomes in the gnomAD database, including 21 homozygotes. The observed variant frequency is approximately 2790 fold of the estimated maximal expected allele frequency for a pathogenic variant in AKAP9 causing Long QT Syndrome phenotype (3.3e-06), strongly suggesting that the variant is benign. Four clinical diagnostic laboratories have submitted clinical-significance assessments for this variant to ClinVar after 2014 without evidence for independent evaluation. All laboratories classified the variant as benign/likely benign. Based on the evidence outlined above, the variant was classified as benign.

Eurofins Ntd Llc (ga)
Classification: Benign. Last evaluated: 2016-08-04. Review status: criteria provided, single submitter. Criteria: EGL Classification Definitions 2015. Collection method: clinical testing. Allele origin: germline. Observed: 2 variant alleles, 2 heterozygotes.

Ambry Genetics
Classification: Benign for Cardiovascular phenotype. Last evaluated: 2015-04-23. Review status: criteria provided, single submitter. Criteria: Ambry Variant Classification Scheme 2023. Collection method: clinical testing. Allele origin: germline.

GeneDx
Classification: Benign. Last evaluated: 2015-03-03. Review status: criteria provided, single submitter. Criteria: GeneDx Variant Classification Process June 2021. Collection method: clinical testing. Allele origin: germline. Affected: yes.
Comment: This variant is associated with the following publications: (PMID: 30821013, 29177109, 26230511)

Biesecker Lab/Clinical Genomics Section, National Institutes of Health
Classification: Benign. Last evaluated: 2013-06-24. Review status: criteria provided, single submitter. Criteria: Ng et al. (Circ Cardiovasc Genet. 2013). Collection method: research. Allele origin: unknown. Observed: 18 variant alleles. Study: ClinSeq.
Comment: The study set was not selected for affection status in relation to any cancer. Pathogenicity categories were based on literature curation. See Pubmed ID:23861362 for details.

Medical sequencing

Breakthrough Genomics
Classification: Likely benign. Review status: criteria provided, single submitter. Criteria: ACMG Guidelines, 2015. Collection method: not provided. Allele origin: germline. Inheritance: Autosomal dominant inheritance. Affected: yes.

Clinical Genetics, Academic Medical Center
Classification: Benign. Review status: no assertion criteria provided. Collection method: clinical testing. Allele origin: germline. Affected: yes. Study: VKGL Data-share Consensus. Not counted in ClinVar's aggregate classification.

Joint Genome Diagnostic Labs from Nijmegen and Maastricht, Radboudumc and MUMC+
Classification: Benign. Review status: no assertion criteria provided. Collection method: clinical testing. Allele origin: germline. Affected: yes. Study: VKGL Data-share Consensus. Not counted in ClinVar's aggregate classification.

NM_005751.5(AKAP9):c.3827G>A (p.Arg1276Gln)

Gene: AKAP9 (A-kinase anchoring protein 9; plus strand). Cytogenetic location: 7q21.2.
Variant type: single nucleotide variant.
Coding change: c.3827G>A on transcript NM_005751.5 (MANE Select); coding-DNA position 3827, G replaced by A.
Protein change: p.Arg1276Gln; replaces arginine 1276 with glutamine.
Molecular consequence: missense variant.
Genome position (GRCh38, 1-based): chr7:92,017,092, G>A. VCF-style: chr7-92017092-G-A. GRCh37 (hg19) VCF-style: chr7-91646406-G-A.
Other names: c.3827G>A, p.Arg1276Gln (NM_147185.3); short protein forms R1276Q.
Identifiers: ClinVar variation 191552 (VCV000191552.59), dbSNP rs146797353, ClinGen allele CA199852.
Genomic context (GRCh38, chr7:92,017,092, plus strand): 5'-TGCACACTCTTCTCAACAAAGTAACAGAAGAATACAACAAACTCTTGGTACTTCAAACAC[G>A]ACTAAGCAAGGTCTGTGAGATGGAAAATATATTGTAATATTTGCATTTATTGTATTGTCT-3'
Protein context (NP_005742.4, residues 1266-1286): EYNKLLVLQT[Arg1276Gln]LSKIWGQQTD